The following is an entry in ClinVar:

NM_005609.4(PYGM):c.208C>T (p.Arg70Cys)

Gene: PYGM (glycogen phosphorylase, muscle associated; minus strand). Cytogenetic location: 11q13.1.
Variant type: single nucleotide variant.
Coding change: c.208C>T on transcript NM_005609.4 (MANE Select); coding-DNA position 208, C replaced by T.
Protein change: p.Arg70Cys; replaces arginine 70 with cysteine.
Molecular consequence: missense variant.
Genome position (GRCh38, 1-based): chr11:64,759,691, G>A on the plus strand (C>T on the coding strand, the complement: PYGM is on the minus strand). VCF-style: chr11-64759691-G-A. GRCh37 (hg19) VCF-style: chr11-64527163-G-A.
Other names: c.208C>T, p.Arg70Cys (NM_001164716.1); c.208C>T (NM_005609.3); short protein forms R70C.
Identifiers: ClinVar variation 426638 (VCV000426638.13), dbSNP rs765844107, ClinGen allele CA6080344.

ClinVar aggregate classification (germline): Conflicting classifications of pathogenicity. Review status: criteria provided, conflicting classifications (1 of 4 stars). 7 submissions from 7 submitters: Likely pathogenic (1); Uncertain significance (5). 1 of the submissions does not count toward it. Last evaluated 2026-06-05.

Conditions:
Glycogen storage disease, type V (GSD5). Also called: MCARDLE DISEASE; MUSCLE GLYCOGEN PHOSPHORYLASE DEFICIENCY; MYOPHOSPHORYLASE DEFICIENCY; PYGM DEFICIENCY; McArdle type glycogen storage disease. Identifiers: Orphanet 368, MedGen C0017924, MONDO:0009293, OMIM 232600.
Tip-toe gait. Also called: Toe walking. Identifiers: MedGen C0427144, HP:0030051.

Allele frequency attached by ClinVar (database versions not stated): gnomAD 0.00018 and 0.00015; TOPMed 0.00019; ExAC 0.00006.
gnomAD v4.1: 63 of 1,614,028 alleles (0.0039%); highest among the groups gnomAD compares: African/African-American, 0.049%; no homozygotes.

Submissions (7):

Women's Health and Genetics/Laboratory Corporation of America, LabCorp
Classification: Uncertain significance. Last evaluated: 2026-06-05. Review status: criteria provided, single submitter. Criteria: LabCorp Variant Classification Summary - May 2015. Collection method: clinical testing. Allele origin: germline.
Comment: Variant summary: PYGM c.208C>T (p.Arg70Cys) results in a non-conservative amino acid change in the encoded protein sequence. Algorithms developed to predict the effect of missense changes on protein structure and function all suggest that this variant is likely to be disruptive. The variant allele was found at a frequency of 6.8e-05 in 251038 control chromosomes. This frequency is not significantly higher than estimated for disease-causing variants in PYGM, allowing no conclusion about variant significance. c.208C>T has been observed in an individual affected with PYGM-related conditions (Santalla_2017). These data do not allow any conclusion about variant significance. To our knowledge, no experimental evidence demonstrating an impact on protein function has been reported. The following publication have been ascertained in the context of this evaluation (PMID: 29143597). ClinVar contains an entry for this variant (Variation ID: 426638). Based on the evidence outlined above, the variant was classified as uncertain significance.

Labcorp Genetics (formerly Invitae), Labcorp
Classification: Uncertain significance for Glycogen storage disease, type V. Last evaluated: 2025-01-27. Review status: criteria provided, single submitter. Criteria: Invitae Variant Classification Sherloc (09022015). Collection method: clinical testing. Allele origin: germline.
Comment: This sequence change replaces arginine, which is basic and polar, with cysteine, which is neutral and slightly polar, at codon 70 of the PYGM protein (p.Arg70Cys). This variant is present in population databases (rs765844107, gnomAD 0.05%). This missense change has been observed in individual(s) with McArdle disease (PMID: 29143597). ClinVar contains an entry for this variant (Variation ID: 426638). Invitae Evidence Modeling of protein sequence and biophysical properties (such as structural, functional, and spatial information, amino acid conservation, physicochemical variation, residue mobility, and thermodynamic stability) indicates that this missense variant is expected to disrupt PYGM protein function with a positive predictive value of 95%. In summary, the available evidence is currently insufficient to determine the role of this variant in disease. Therefore, it has been classified as a Variant of Uncertain Significance.

Fulgent Genetics
Classification: Uncertain significance for Glycogen storage disease, type V. Last evaluated: 2024-02-21. Review status: criteria provided, single submitter. Criteria: ACMG Guidelines, 2015. Collection method: clinical testing. Allele origin: germline.

Revvity Omics, Revvity
Classification: Uncertain significance for Glycogen storage disease, type V. Last evaluated: 2022-12-27. Review status: criteria provided, single submitter. Criteria: ACMG Guidelines, 2015. Collection method: clinical testing. Allele origin: germline.

GeneDx
Classification: Uncertain significance. Last evaluated: 2022-07-01. Review status: criteria provided, single submitter. Criteria: GeneDx Variant Classification Process June 2021. Collection method: clinical testing. Allele origin: germline. Affected: yes.
Comment: In silico analysis supports that this missense variant has a deleterious effect on protein structure/function; This variant is associated with the following publications: (PMID: 29143597)

Practice for Gait Abnormalities, David Pomarino, Competency Network Toe Walking C/o Practice Pomarino
Classification: Likely pathogenic for Tip-toe gait. Last evaluated: 2021-11-18. Review status: criteria provided, single submitter. Criteria: Pomarino et al. (J Musculoskelet Neuronal Interact. 2026). Collection method: clinical testing. Allele origin: germline. Affected: yes.

Natera, Inc.
Classification: Uncertain significance for Glycogen storage disease V. Last evaluated: 2020-09-16. Review status: no assertion criteria provided. Collection method: clinical testing. Allele origin: germline. Not counted in ClinVar's aggregate classification.

Literature cited by the submitters: PubMed 29143597 (cited by Women's Health and Genetics/Laboratory Corporation of America, LabCorp and Labcorp Genetics (formerly Invitae), Labcorp).